The following is an entry in ClinVar:

NM_080425.4(GNAS):c.2069-5679A>C

Gene: GNAS (GNAS complex locus; plus strand). Cytogenetic location: 20q13.32.
Variant type: single nucleotide variant.
Coding change: c.2069-5679A>C on transcript NM_080425.4 (MANE Plus Clinical); 5679 bases into the intron before coding-DNA position 2069, A replaced by C.
Molecular consequence: intron variant.
Genome position (GRCh38, 1-based): chr20:58,889,933, A>C. VCF-style: chr20-58889933-A-C. GRCh37 (hg19) VCF-style: chr20-57464988-A-C.
Other names: c.*43-5679A>C (NM_016592.5); c.44-5679A>C (NM_001410912.1); c.-38-5679A>C (NM_001309861.2); c.*1-5679A>C (NM_001077490.3); c.2069-5679A>C (NM_001410913.1); c.*159-5679A>C (NM_001309883.1); c.-39+580A>C (NM_001438273.1, NM_001309840.2); c.-39+601A>C (NM_001439291.1, NM_001438274.1).
Identifiers: ClinVar variation 2652439 (VCV002652439.22), dbSNP rs190105273, ClinGen allele CA316318451.
Genomic context (GRCh38, chr20:58,889,933, plus strand): 5'-GGGCCACCATGCTGAAGATGGCCATGAAGCTCAAAGCCCGGGCGGCGGAGAGCGAGAAGA[A>C]GACGGCCGCGGCGGCTGCCGAGGTGGCTGCCGAAGCTGCGGCGGCGGCTGCGGCGTTGGC-3'

ClinVar aggregate classification (germline): Benign (1 of 4 stars; one submission).

Allele frequency attached by ClinVar (database versions not stated): 1000 Genomes Project 30x 0.00328; TOPMed 0.00816; 1000 Genomes Project 0.00200; gnomAD 0.00860.
gnomAD v4.1: 1,289 of 151,788 alleles (0.85%); highest among the groups gnomAD compares: Non-Finnish European, 1.4%; 8 homozygotes.

Submission:

CeGaT Center for Human Genetics Tuebingen
Classification: Benign. Last evaluated: 2026-08-01. Review status: criteria provided, single submitter. Criteria: CeGaT Center For Human Genetics Tuebingen Variant Classification Criteria Version 2. Collection method: clinical testing. Allele origin: germline. Affected: yes. Observed: 30 variant alleles.
Comment: GNAS: BS1, BS2